The following is an entry in ClinVar:

ClinVar aggregate classification (germline): Uncertain significance. Review status: criteria provided, multiple submitters, no conflicts (2 of 4 stars). 2 submissions from 2 submitters: Uncertain significance (2). Last evaluated 2023-08-01.

Conditions:
Retinitis pigmentosa 13 (RP13). Also called: PRPF 8-Related Retinitis Pigmentosa. Identifiers: Orphanet 791, MedGen C1838702, MONDO:0010806, OMIM 600059.

Allele frequency attached by ClinVar (database versions not stated): TOPMed below 0.00001.
gnomAD v4.1: 5 of 1,614,204 alleles (0.00031%); highest among the groups gnomAD compares: South Asian, 0.0011%; no homozygotes.

Submissions (2):

MVZ Medizinische Genetik Mainz
Classification: Uncertain significance for Retinitis pigmentosa 13. Last evaluated: 2023-08-01. Review status: criteria provided, single submitter. Criteria: UK Practice Guidelines For Variant Classification V4 01 2020. Collection method: clinical testing. Allele origin: germline. Inheritance: Autosomal dominant inheritance. Affected: yes. Observed: 1 variant allele.
Comment: ACMG Criteria: PP3_MOD,PM2_SUP,PP2

Blueprint Genetics
Classification: Uncertain significance. Last evaluated: 2021-08-13. Review status: criteria provided, single submitter. Criteria: ACMG Guidelines, 2015. Collection method: clinical testing. Allele origin: germline.

NM_006445.4(PRPF8):c.5243G>A (p.Arg1748His)

Gene: PRPF8 (pre-mRNA processing factor 8; minus strand). Cytogenetic location: 17p13.3.
Variant type: single nucleotide variant.
Coding change: c.5243G>A on transcript NM_006445.4 (MANE Select); coding-DNA position 5243, G replaced by A.
Protein change: p.Arg1748His; replaces arginine 1748 with histidine.
Molecular consequence: missense variant.
Genome position (GRCh38, 1-based): chr17:1,658,659, C>T on the plus strand (G>A on the coding strand, the complement: PRPF8 is on the minus strand). VCF-style: chr17-1658659-C-T. GRCh37 (hg19) VCF-style: chr17-1561953-C-T.
Other names: short protein forms R1748H.
Identifiers: ClinVar variation 3234022 (VCV003234022.2), dbSNP rs1911520652, ClinGen allele CA397573044.
Genomic context (GRCh38, chr17:1,658,659, plus strand): 5'-TAGTTCTGAGAAGACAAATAAGGCTCAGTGGGTTCAGATGAATAGAGCTGTAGCCCCTTG[C>T]GGATCCGTTCACGTAACACATACAGGGCAGGGTTTGCCTTCATGATCTTGGCCATGGCCT-3'
Protein context (NP_006436.3, residues 1738-1758): PALYVLRERI[Arg1748His]KGLQLYSSEP